The following is an entry in ClinVar:

NM_001100.4(ACTA1):c.82G>C (p.Ala28Pro)

Gene: ACTA1 (actin alpha 1, skeletal muscle; minus strand). Cytogenetic location: 1q42.13.
Variant type: single nucleotide variant.
Coding change: c.82G>C on transcript NM_001100.4 (MANE Select); coding-DNA position 82, G replaced by C.
Protein change: p.Ala28Pro; replaces alanine 28 with proline.
Molecular consequence: missense variant.
Genome position (GRCh38, 1-based): chr1:229,433,034, C>G on the plus strand (G>C on the coding strand, the complement: ACTA1 is on the minus strand). VCF-style: chr1-229433034-C-G. GRCh37 (hg19) VCF-style: chr1-229568781-C-G.
Other names: short protein forms A28P.
Identifiers: ClinVar variation 560936 (VCV000560936.2), dbSNP rs546670743, ClinGen allele CA345151451.
Genomic context (GRCh38, chr1:229,433,034, plus strand): 5'-GGGGCAGCCTGACCTGGTGTCGGGGGCGGCCCACGATGGACGGGAACACGGCCCTAGGGG[C>G]GTCATCCCCGGCGAAGCCGGCTTTCACCAGGCCGGAGCCATTGTCGCACACGAGGGCGGT-3'
Protein context (NP_001091.1, residues 18-38): LVKAGFAGDD[Ala28Pro]PRAVFPSIVG

ClinVar aggregate classification (germline): Uncertain significance (1 of 4 stars; one submission).

Conditions:
Actin accumulation myopathy (CMYO2A). Also called: Nemaline myopathy type 3; Myopathy, actin, congenital, with excess of thin myofilaments; CONGENITAL MYOPATHY 2A, TYPICAL, AUTOSOMAL DOMINANT; Myopathy, actin, congenital, with cores; Nemaline myopathy 3, with intranuclear rods. Identifiers: Orphanet 98904, MedGen C3711389, MONDO:0008070, OMIM 161800.

Submission:

Baylor Genetics
Classification: Uncertain significance for Actin accumulation myopathy. Last evaluated: 2017-09-01. Review status: criteria provided, single submitter. Criteria: ACMG Guidelines, 2015. Collection method: clinical testing. Allele origin: de novo. Inheritance: Autosomal dominant inheritance. Affected: yes.
Comment: At time of reporting, this mutation was novel.

Literature cited by the submitters: PubMed 25326635.